The following is an entry in ClinVar:

NM_001289104.2(PRKCSH):c.278A>G (p.Asn93Ser)

Gene: PRKCSH (PRKCSH beta subunit of glucosidase II; plus strand). Cytogenetic location: 19p13.2.
Variant type: single nucleotide variant.
Coding change: c.278A>G on transcript NM_001289104.2 (MANE Select); coding-DNA position 278, A replaced by G.
Protein change: p.Asn93Ser; replaces asparagine 93 with serine.
Molecular consequence: missense variant.
Genome position (GRCh38, 1-based): chr19:11,437,957, A>G. VCF-style: chr19-11437957-A-G. GRCh37 (hg19) VCF-style: chr19-11548778-A-G.
Other names: c.278A>G, p.Asn93Ser (NM_001001329.3, NM_001289102.2, NM_001289103.2 and 3 more transcripts); short protein forms N93S.
Identifiers: ClinVar variation 4737275 (VCV004737275.3).

ClinVar aggregate classification (germline): Uncertain significance. Review status: criteria provided, multiple submitters, no conflicts (2 of 4 stars). 2 submissions from 2 submitters: Uncertain significance (2). Last evaluated 2025-12-15.

Conditions:
Polycystic liver disease 1 (PCLD1). Also called: Polycystic liver disease 1 with or without kidney cysts. Identifiers: Orphanet 2924, MedGen C0887850, MONDO:0008265, OMIM 174050.

Submissions (2):

Labcorp Genetics (formerly Invitae), Labcorp
Classification: Uncertain significance. Last evaluated: 2025-12-15. Review status: criteria provided, single submitter. Criteria: Invitae Variant Classification Sherloc (09022015). Collection method: clinical testing. Allele origin: germline.
Comment: This sequence change replaces asparagine, which is neutral and polar, with serine, which is neutral and polar, at codon 93 of the PRKCSH protein (p.Asn93Ser). This variant is present in population databases (rs756326131, gnomAD 0.03%). This variant has not been reported in the literature in individuals affected with PRKCSH-related conditions. An algorithm developed to predict the effect of missense changes on protein structure and function (PolyPhen-2) suggests that this variant is likely to be disruptive. In summary, the available evidence is currently insufficient to determine the role of this variant in disease. Therefore, it has been classified as a Variant of Uncertain Significance.

Juno Genomics, Hangzhou Juno Genomics, Inc
Classification: Uncertain significance for Polycystic liver disease 1. Review status: criteria provided, single submitter. Criteria: ACMG Guidelines, 2015. Collection method: clinical testing. Allele origin: germline.
Comment: Absent from controls (or at extremely low frequency if recessive) in Genome Aggregation Database.;Multiple lines of computational evidence support a deleterious effect on the gene or gene product.